The following is an entry in ClinVar:

NM_014704.4(CEP104):c.2182A>G (p.Asn728Asp)

Gene: CEP104 (centrosomal protein 104; minus strand). Cytogenetic location: 1p36.32.
Variant type: single nucleotide variant.
Coding change: c.2182A>G on transcript NM_014704.4 (MANE Select); coding-DNA position 2182, A replaced by G.
Protein change: p.Asn728Asp; replaces asparagine 728 with aspartic acid.
Molecular consequence: missense variant.
Genome position (GRCh38, 1-based): chr1:3,826,714, T>C on the plus strand (A>G on the coding strand, the complement: CEP104 is on the minus strand). VCF-style: chr1-3826714-T-C. GRCh37 (hg19) VCF-style: chr1-3743278-T-C.
Other names: short protein forms N728D.
Identifiers: ClinVar variation 970495 (VCV000970495.40), dbSNP rs144805659, ClinGen allele CA551385.

ClinVar aggregate classification (germline): Conflicting classifications of pathogenicity. Review status: criteria provided, conflicting classifications (1 of 4 stars). 7 submissions from 7 submitters: Uncertain significance (5); Likely benign (2). Last evaluated 2026-09-27.

Conditions:
Inborn genetic diseases. Identifiers: MedGen C0950123, MeSH D030342.
Joubert syndrome 25 (JBTS25). Identifiers: Orphanet 475, MedGen C4084842, MONDO:0014770, OMIM 616781.
Ciliopathy. Also called: Ciliopathies. Identifiers: Orphanet 363250, MedGen C4277690, MONDO:0005308, MeSH D000072661.

Allele frequency attached by ClinVar (database versions not stated): ESP Exome Variant Server 0.00015; TOPMed 0.00017; gnomAD 0.00019; gnomAD exomes 0.00024 and 0.00027; ExAC 0.00029.
gnomAD v4.1: 387 of 1,614,022 alleles (0.024%); highest among the groups gnomAD compares: Middle Eastern, 0.3%; 2 homozygotes.

Submissions (7):

GeneDx
Classification: Uncertain significance. Last evaluated: 2026-09-27. Review status: criteria provided, single submitter. Criteria: GeneDx Variant Classification Process June 2021. Collection method: clinical testing. Allele origin: germline.
Comment: In silico analysis suggests that this missense variant does not alter protein structure/function; This variant is associated with the following publications: (PMID: Ogreden_Buyuktiyaki_2024_[Case Report], 25356899)

CeGaT Center for Human Genetics Tuebingen
Classification: Likely benign. Last evaluated: 2025-10-01. Review status: criteria provided, single submitter. Criteria: CeGaT Center For Human Genetics Tuebingen Variant Classification Criteria Version 2. Collection method: clinical testing. Allele origin: germline. Affected: yes. Observed: 3 variant alleles.
Comment: CEP104: BP4

Blueprint Genetics
Classification: Likely benign. Last evaluated: 2024-09-09. Review status: criteria provided, single submitter. Criteria: ACMG Guidelines, 2015. Collection method: clinical testing. Allele origin: germline.

Labcorp Genetics (formerly Invitae), Labcorp
Classification: Uncertain significance for Joubert syndrome 25. Last evaluated: 2023-08-17. Review status: criteria provided, single submitter. Criteria: Invitae Variant Classification Sherloc (09022015). Collection method: clinical testing. Allele origin: germline.
Comment: In summary, the available evidence is currently insufficient to determine the role of this variant in disease. Therefore, it has been classified as a Variant of Uncertain Significance. Algorithms developed to predict the effect of missense changes on protein structure and function output the following: SIFT: "Not Available"; PolyPhen-2: "Benign"; Align-GVGD: "Not Available". The aspartic acid amino acid residue is found in multiple mammalian species, which suggests that this missense change does not adversely affect protein function. ClinVar contains an entry for this variant (Variation ID: 970495). This variant has not been reported in the literature in individuals affected with CEP104-related conditions. This variant is present in population databases (rs144805659, gnomAD 0.04%). This sequence change replaces asparagine, which is neutral and polar, with aspartic acid, which is acidic and polar, at codon 728 of the CEP104 protein (p.Asn728Asp).

Department of Pathology and Laboratory Medicine, Sinai Health System
Classification: Uncertain significance for ciliopathy. Last evaluated: 2022-01-25. Review status: criteria provided, single submitter. Criteria: ACMG Guidelines, 2015. Collection method: research. Allele origin: germline.

Ambry Genetics
Classification: Uncertain significance for Inborn genetic diseases. Last evaluated: 2021-09-16. Review status: criteria provided, single submitter. Criteria: Ambry Variant Classification Scheme 2023. Collection method: clinical testing. Allele origin: germline.

Breakthrough Genomics
Classification: Uncertain significance. Review status: criteria provided, single submitter. Criteria: ACMG Guidelines, 2015. Collection method: not provided. Allele origin: germline. Inheritance: Autosomal recessive inheritance. Affected: yes.